The following is an entry in ClinVar:

ClinVar aggregate classification (germline): Uncertain significance (1 of 4 stars; one submission).

Allele frequency attached by ClinVar (database versions not stated): gnomAD 0.00001; TOPMed 0.00001; ESP Exome Variant Server 0.00008.
gnomAD v4.1: 41 of 1,610,642 alleles (0.0025%); highest among the groups gnomAD compares: Non-Finnish European, 0.0034%; no homozygotes.

Submission:

Labcorp Genetics (formerly Invitae), Labcorp
Classification: Uncertain significance. Last evaluated: 2023-05-15. Review status: criteria provided, single submitter. Criteria: Invitae Variant Classification Sherloc (09022015). Collection method: clinical testing. Allele origin: germline.
Comment: This variant has not been reported in the literature in individuals affected with TAOK2-related conditions. This sequence change replaces arginine, which is basic and polar, with tryptophan, which is neutral and slightly polar, at codon 526 of the TAOK2 protein (p.Arg526Trp). This variant is present in population databases (rs376299348, gnomAD 0.0009%). An algorithm developed to predict the effect of missense changes on protein structure and function (PolyPhen-2) suggests that this variant is likely to be disruptive. In summary, the available evidence is currently insufficient to determine the role of this variant in disease. Therefore, it has been classified as a Variant of Uncertain Significance.

NM_016151.4(TAOK2):c.1576C>T (p.Arg526Trp)

Gene: TAOK2 (TAO kinase 2; plus strand). Cytogenetic location: 16p11.2.
Variant type: single nucleotide variant.
Coding change: c.1576C>T on transcript NM_016151.4 (MANE Select); coding-DNA position 1576, C replaced by T.
Protein change: p.Arg526Trp; replaces arginine 526 with tryptophan.
Molecular consequence: missense variant.
Genome position (GRCh38, 1-based): chr16:29,985,366, C>T. VCF-style: chr16-29985366-C-T. GRCh37 (hg19) VCF-style: chr16-29996687-C-T.
Other names: c.1576C>T, p.Arg526Trp (NM_001252043.2, NM_004783.4); short protein forms R526W.
Identifiers: ClinVar variation 2984683 (VCV002984683.3), dbSNP rs376299348, ClinGen allele CA280397195.